The following is an entry in ClinVar:

NM_001330588.2(TPP2):c.1941A>G (p.Leu647=)

Gene: TPP2 (tripeptidyl peptidase 2; plus strand). Cytogenetic location: 13q33.1.
Variant type: single nucleotide variant.
Coding change: c.1941A>G on transcript NM_001330588.2 (MANE Select); coding-DNA position 1941, A replaced by G.
Protein change: p.Leu647=; no amino-acid change (leucine 647 retained).
Molecular consequence: synonymous variant. On other transcripts: non-coding transcript variant (1).
Genome position (GRCh38, 1-based): chr13:102,640,297, A>G. VCF-style: chr13-102640297-A-G. GRCh37 (hg19) VCF-style: chr13-103292647-A-G.
Other names: c.1941A>G, p.Leu647= (NM_001367947.1, NM_003291.4).
Identifiers: ClinVar variation 4717727 (VCV004717727.1).

ClinVar aggregate classification (germline): Uncertain significance (1 of 4 stars; one submission).

Conditions:
Evans syndrome, immunodeficiency, and premature immunosenescence associated with tripeptidyl-peptidase II deficiency. Identifiers: MedGen CN231723. Disease mechanism: loss of function.

gnomAD v4.1: 1 of 1,612,302 alleles (0.000062%); highest among the groups gnomAD compares: Non-Finnish European, 0.000085%; no homozygotes.

Submission:

Labcorp Genetics (formerly Invitae), Labcorp
Classification: Uncertain significance for Evans syndrome, immunodeficiency, and premature immunosenescence associated with tripeptidyl-peptidase II deficiency. Last evaluated: 2025-04-17. Review status: criteria provided, single submitter. Criteria: Invitae Variant Classification Sherloc (09022015). Collection method: clinical testing. Allele origin: germline.
Comment: This sequence change affects codon 647 of the TPP2 mRNA. It is a 'silent' change, meaning that it does not change the encoded amino acid sequence of the TPP2 protein. This variant is not present in population databases (gnomAD no frequency). This variant has not been reported in the literature in individuals affected with TPP2-related conditions. Algorithms developed to predict the effect of sequence changes on RNA splicing suggest that this variant may create or strengthen a splice site. In summary, the available evidence is currently insufficient to determine the role of this variant in disease. Therefore, it has been classified as a Variant of Uncertain Significance.